The following is an entry in ClinVar:

NM_001903.5(CTNNA1):c.1082G>T (p.Ser361Ile)

Gene: CTNNA1 (catenin alpha 1; plus strand). Cytogenetic location: 5q31.2.
Variant type: single nucleotide variant.
Coding change: c.1082G>T on transcript NM_001903.5 (MANE Select); coding-DNA position 1082, G replaced by T.
Protein change: p.Ser361Ile; replaces serine 361 with isoleucine.
Molecular consequence: missense variant. On other transcripts: 5 prime UTR variant (26), intron variant (2).
Genome position (GRCh38, 1-based): chr5:138,886,231, G>T. VCF-style: chr5-138886231-G-T. GRCh37 (hg19) VCF-style: chr5-138221920-G-T.
Other names: c.1082G>T, p.Ser361Ile (NM_001290307.3, NM_001323982.2, NM_001323983.1 and 3 more transcripts); c.773G>T, p.Ser258Ile (NM_001290309.3); c.713G>T, p.Ser238Ile (NM_001290310.3); c.-29G>T (NM_001290312.1, NM_001323987.1, NM_001323988.1 and 18 more transcripts); c.-426G>T (NM_001324006.1, NM_001324007.1, NM_001324008.1 and 1 more transcripts); c.-301G>T (NM_001324013.1); c.-58+10634G>T (NM_001324012.1); c.-61+10634G>T (NM_001324010.1); short protein forms S361I, S258I, S238I.
Identifiers: ClinVar variation 958552 (VCV000958552.9), dbSNP rs1753992786, ClinGen allele CA361132510.

ClinVar aggregate classification (germline): Uncertain significance (1 of 4 stars; one submission).

Submission:

Labcorp Genetics (formerly Invitae), Labcorp
Classification: Uncertain significance. Last evaluated: 2023-06-14. Review status: criteria provided, single submitter. Criteria: Invitae Variant Classification Sherloc (09022015). Collection method: clinical testing. Allele origin: germline.
Comment: This sequence change replaces serine, which is neutral and polar, with isoleucine, which is neutral and non-polar, at codon 361 of the CTNNA1 protein (p.Ser361Ile). This variant is not present in population databases (gnomAD no frequency). This variant has not been reported in the literature in individuals affected with CTNNA1-related conditions. ClinVar contains an entry for this variant (Variation ID: 958552). Advanced modeling of protein sequence and biophysical properties (such as structural, functional, and spatial information, amino acid conservation, physicochemical variation, residue mobility, and thermodynamic stability) performed at Invitae indicates that this missense variant is expected to disrupt CTNNA1 protein function. In summary, the available evidence is currently insufficient to determine the role of this variant in disease. Therefore, it has been classified as a Variant of Uncertain Significance.